The following is an entry in ClinVar:

NM_001206744.2(TPO):c.1786G>T (p.Glu596Ter)

Genes: LALTOP (lung cancer associated lncRNA targeting TOP2A; minus strand), TPO (thyroid peroxidase; plus strand). Cytogenetic location: 2p25.3.
Variant type: single nucleotide variant.
Coding change: c.1786G>T on transcript NM_001206744.2 (MANE Select); coding-DNA position 1786, G replaced by T.
Protein change: p.Glu596Ter; replaces glutamic acid 596 with a stop codon.
Molecular consequence: nonsense.
Genome position (GRCh38, 1-based): chr2:1,493,819, G>T. VCF-style: chr2-1493819-G-T. GRCh37 (hg19) VCF-style: chr2-1497591-G-T.
Other names: c.1786G>T, p.Glu596Ter (NM_000547.6, NM_175721.3); c.1615G>T, p.Glu539Ter (NM_001206745.2, NM_175719.4); c.1267G>T, p.Glu423Ter (NM_175722.3); c.1786G>T (NM_000547.5); short protein forms E423*, E539*, E596*.
Identifiers: ClinVar variation 1333570 (VCV001333570.6), dbSNP rs749174434, ClinGen allele CA1511847.

ClinVar aggregate classification (germline): Pathogenic. Review status: criteria provided, multiple submitters, no conflicts (2 of 4 stars). 4 submissions from 4 submitters: Pathogenic (4). Last evaluated 2025-04-03.

Conditions:
Congenital hypothyroidism. Identifiers: Orphanet 442, MedGen C0010308, MONDO:0018612, HP:0000851.
Deficiency of iodide peroxidase (TDH2A). Also called: THYROID HORMONOGENESIS, GENETIC DEFECT IN, 2A; THYROID PEROXIDASE DEFICIENCY; Thyroid dyshormonogenesis 2A; HYPOTHYROIDISM, CONGENITAL, DUE TO DYSHORMONOGENESIS, 2A; IODIDE PEROXIDASE DEFICIENCY. Identifiers: Orphanet 95716, MedGen C1291299, MONDO:0010133, OMIM 274500.

Allele frequency attached by ClinVar (database versions not stated): gnomAD exomes 0.00002 and 0.00004; gnomAD 0.00003; ExAC 0.00007.
gnomAD v4.1: 37 of 1,614,142 alleles (0.0023%); highest among the groups gnomAD compares: South Asian, 0.041%; no homozygotes.

Submissions (4):

Cambridge Genomics Laboratory, East Genomic Laboratory Hub, NHS Genomic Medicine Service
Classification: Pathogenic for Congenital hypothyroidism. Last evaluated: 2025-04-03. Review status: criteria provided, single submitter. Criteria: ACGS Best Practice Guidelines for Variant Classification in Rare Disease 2020. Collection method: clinical testing. Allele origin: germline. Affected: yes.
Comment: PVS1,PM2,PM3,PP4

Fulgent Genetics
Classification: Pathogenic for Deficiency of iodide peroxidase. Last evaluated: 2024-01-17. Review status: criteria provided, single submitter. Criteria: ACMG Guidelines, 2015. Collection method: clinical testing. Allele origin: germline.

Labcorp Genetics (formerly Invitae), Labcorp
Classification: Pathogenic. Last evaluated: 2023-12-13. Review status: criteria provided, single submitter. Criteria: Invitae Variant Classification Sherloc (09022015). Collection method: clinical testing. Allele origin: germline.
Comment: This sequence change creates a premature translational stop signal (p.Glu596*) in the TPO gene. It is expected to result in an absent or disrupted protein product. Loss-of-function variants in TPO are known to be pathogenic (PMID: 11061528, 23236987, 25564141). This variant is present in population databases (rs749174434, gnomAD 0.03%). This premature translational stop signal has been observed in individual(s) with thyroid dyshormonogenesis (PMID: 23236987). ClinVar contains an entry for this variant (Variation ID: 1333570). For these reasons, this variant has been classified as Pathogenic.

3billion
Classification: Pathogenic for Deficiency of iodide peroxidase. Last evaluated: 2022-01-03. Review status: criteria provided, single submitter. Criteria: ACMG Guidelines, 2015. Collection method: clinical testing. Allele origin: germline. Affected: yes. Observed: 1 homozygote.
Comment: Stop-gained (nonsense): predicted to result in a loss or disruption of normal protein function through nonsense-mediated decay (NMD) or protein truncation. Multiple pathogenic variants are reported downstream of the variant (PVS1_VS).The variant has been reported to be associated with TPO related disorder (PMID:23236987). It is observed at an extremely low frequency in the gnomAD v2.1.1 dataset (total allele frequency: 0.000040, PM2_M). Therefore, this variant is classified as pathogenic according to the recommendation of ACMG/AMP guideline.

Literature cited by the submitters: PubMed 11061528 (cited by Labcorp Genetics (formerly Invitae), Labcorp); PubMed 23236987 (cited by Labcorp Genetics (formerly Invitae), Labcorp and 3billion); PubMed 25564141 (cited by Labcorp Genetics (formerly Invitae), Labcorp).